The following is an entry in ClinVar:

NM_003001.5(SDHC):c.296A>T (p.Tyr99Phe)

Gene: SDHC (succinate dehydrogenase complex subunit C; plus strand). Cytogenetic location: 1q23.3.
Variant type: single nucleotide variant.
Coding change: c.296A>T on transcript NM_003001.5 (MANE Select); coding-DNA position 296, A replaced by T.
Protein change: p.Tyr99Phe; replaces tyrosine 99 with phenylalanine.
Molecular consequence: missense variant. On other transcripts: non-coding transcript variant (1), intron variant (3).
Genome position (GRCh38, 1-based): chr1:161,356,731, A>T. VCF-style: chr1-161356731-A-T. GRCh37 (hg19) VCF-style: chr1-161326521-A-T.
Other names: c.194A>T, p.Tyr65Phe (NM_001035512.3); c.137A>T, p.Tyr46Phe (NM_001035513.3); c.416A>T, p.Tyr139Phe (NM_001407115.1); c.239A>T, p.Tyr80Phe (NM_001407116.1); c.233A>T, p.Tyr78Phe (NM_001407117.1); c.188A>T, p.Tyr63Phe (NM_001407118.1); c.185A>T, p.Tyr62Phe (NM_001407119.1, NM_001407120.1); c.242-5598A>T (NM_001035511.3); and 2 more; short protein forms Y65F, Y78F, Y46F, Y99F, Y139F, Y62F, Y63F, Y80F.
Identifiers: ClinVar variation 2946768 (VCV002946768.3), dbSNP rs1060501390, ClinGen allele CA343456394.

ClinVar aggregate classification (germline): Uncertain significance (1 of 4 stars; one submission).

Conditions:
Gastrointestinal stromal tumor. Also called: Gastrointestinal stromal tumor, somatic; Gastrointestinal stroma tumor. Identifiers: Orphanet 44890, MedGen C0238198, MeSH D046152, MONDO:0011719, OMIM 606764, HP:0100723.
Pheochromocytoma/paraganglioma syndrome 3. Also called: GLOMUS TUMORS, FAMILIAL, 3; Paragangliomas 3; SDHC-Related Hereditary Paraganglioma-Pheochromocytoma Syndrome (Paragangliomas 3); SDHC-Related Hereditary Paraganglioma-Pheochromocytoma Syndrome. Identifiers: Orphanet 29072, MedGen C1854336, MONDO:0011544, OMIM 605373.

gnomAD v4.1: 1 of 1,613,930 alleles (0.000062%); highest among the groups gnomAD compares: Non-Finnish European, 0.000085%; no homozygotes.

Submission:

Labcorp Genetics (formerly Invitae), Labcorp
Classification: Uncertain significance for Pheochromocytoma/paraganglioma syndrome 3; Gastrointestinal stromal tumor. Last evaluated: 2024-10-23. Review status: criteria provided, single submitter. Criteria: Invitae Variant Classification Sherloc (09022015). Collection method: clinical testing. Allele origin: germline.
Comment: This sequence change replaces tyrosine, which is neutral and polar, with phenylalanine, which is neutral and non-polar, at codon 99 of the SDHC protein (p.Tyr99Phe). This variant is not present in population databases (gnomAD no frequency). This variant has not been reported in the literature in individuals affected with SDHC-related conditions. An algorithm developed to predict the effect of missense changes on protein structure and function (PolyPhen-2) suggests that this variant is likely to be disruptive. In summary, the available evidence is currently insufficient to determine the role of this variant in disease. Therefore, it has been classified as a Variant of Uncertain Significance.